The following is an entry in ClinVar:

ClinVar aggregate classification (germline): Conflicting classifications of pathogenicity. Review status: criteria provided, conflicting classifications (1 of 4 stars). 5 submissions from 5 submitters: Uncertain significance (4); Likely benign (1). Last evaluated 2025-09-04.

Conditions:
Inborn genetic diseases. Identifiers: MedGen C0950123, MeSH D030342.

Allele frequency attached by ClinVar (database versions not stated): gnomAD 0.00001; gnomAD exomes 0.00001; TOPMed 0.00001; ExAC 0.00003.
gnomAD v4.1: 22 of 1,610,418 alleles (0.0014%); highest among the groups gnomAD compares: South Asian, 0.0077%; no homozygotes.

Submissions (5):

Labcorp Genetics (formerly Invitae), Labcorp
Classification: Likely benign. Last evaluated: 2025-09-04. Review status: criteria provided, single submitter. Criteria: Invitae Variant Classification Sherloc (09022015). Collection method: clinical testing. Allele origin: germline.

GeneDx
Classification: Uncertain significance. Last evaluated: 2025-06-04. Review status: criteria provided, single submitter. Criteria: GeneDx Variant Classification Process June 2021. Collection method: clinical testing. Allele origin: germline. Affected: yes.
Comment: In silico analysis suggests that this missense variant does not alter protein structure/function; Has not been previously published as pathogenic or benign to our knowledge; Not observed at significant frequency in large population cohorts (gnomAD)

Ambry Genetics
Classification: Uncertain significance for Inborn genetic diseases. Last evaluated: 2025-05-16. Review status: criteria provided, single submitter. Criteria: Ambry Variant Classification Scheme 2023. Collection method: clinical testing. Allele origin: germline.

Blueprint Genetics
Classification: Uncertain significance. Last evaluated: 2024-10-17. Review status: criteria provided, single submitter. Criteria: ACMG Guidelines, 2015. Collection method: clinical testing. Allele origin: germline.

Women's Health and Genetics/Laboratory Corporation of America, LabCorp
Classification: Uncertain significance. Last evaluated: 2024-08-08. Review status: criteria provided, single submitter. Criteria: LabCorp Variant Classification Summary - May 2015. Collection method: clinical testing. Allele origin: germline.
Comment: Variant summary: OPA1 c.1580A>G (p.Lys527Arg) results in a conservative amino acid change located in the Dynamin, GTPase domain (IPR001401) of the encoded protein sequence. Three of five in-silico tools predict a benign effect of the variant on protein function. The variant allele was found at a frequency of 2e-05 in 249136 control chromosomes. The available data on variant occurrences in the general population are insufficient to allow any conclusion about variant significance. To our knowledge, no occurrence of c.1580A>G in individuals affected with OPA1-Related Disorders and no experimental evidence demonstrating its impact on protein function have been reported. ClinVar contains an entry for this variant (Variation ID: 1960356). Based on the evidence outlined above, the variant was classified as uncertain significance.

NM_130837.3(OPA1):c.1745A>G (p.Lys582Arg)

Gene: OPA1 (OPA1 mitochondrial dynamin like GTPase; plus strand). Cytogenetic location: 3q29.
Variant type: single nucleotide variant.
Coding change: c.1745A>G on transcript NM_130837.3 (MANE Select); coding-DNA position 1745, A replaced by G.
Protein change: p.Lys582Arg; replaces lysine 582 with arginine.
Molecular consequence: missense variant.
Genome position (GRCh38, 1-based): chr3:193,645,791, A>G. VCF-style: chr3-193645791-A-G. GRCh37 (hg19) VCF-style: chr3-193363580-A-G.
Other names: c.1211A>G, p.Lys404Arg (NM_001354663.2); c.1208A>G, p.Lys403Arg (NM_001354664.2); c.1580A>G, p.Lys527Arg (NM_015560.3); c.1472A>G, p.Lys491Arg (NM_130831.3); c.1526A>G, p.Lys509Arg (NM_130832.3); c.1583A>G, p.Lys528Arg (NM_130833.3); c.1634A>G, p.Lys545Arg (NM_130834.3); c.1637A>G, p.Lys546Arg (NM_130835.3); and 1 more; short protein forms K527R, K564R, K528R, K545R, K403R, K491R, K546R, K582R.
Identifiers: ClinVar variation 1960356 (VCV001960356.9), dbSNP rs750061842, ClinGen allele CA2759465.